The following is an entry in ClinVar:

NM_005219.5(DIAPH1):c.2186C>T (p.Pro729Leu)

Gene: DIAPH1 (diaphanous related formin 1; minus strand). Cytogenetic location: 5q31.3.
Variant type: single nucleotide variant.
Coding change: c.2186C>T on transcript NM_005219.5 (MANE Select); coding-DNA position 2186, C replaced by T.
Protein change: p.Pro729Leu; replaces proline 729 with leucine.
Molecular consequence: missense variant.
Genome position (GRCh38, 1-based): chr5:141,573,664, G>A on the plus strand (C>T on the coding strand, the complement: DIAPH1 is on the minus strand). VCF-style: chr5-141573664-G-A. GRCh37 (hg19) VCF-style: chr5-140953231-G-A.
Other names: c.2159C>T, p.Pro720Leu (NM_001079812.3); c.2186C>T, p.Pro729Leu (NM_001314007.2); short protein forms P729L, P720L.
Identifiers: ClinVar variation 2942202 (VCV002942202.3), dbSNP rs1032573137, ClinGen allele CA361517452.

ClinVar aggregate classification (germline): Uncertain significance (1 of 4 stars; one submission).

Conditions:
Progressive microcephaly-seizures-cortical blindness-developmental delay syndrome. Also called: Seizures, cortical blindness, and microcephaly syndrome. Identifiers: Orphanet 477814, MedGen C5567650, MONDO:0014714, OMIM 616632.
Autosomal dominant nonsyndromic hearing loss 1. Also called: KONIGSMARK SYNDROME; DEAFNESS, AUTOSOMAL DOMINANT 1, WITH OR WITHOUT THROMBOCYTOPENIA. Identifiers: Orphanet 90635, MedGen C1852282, MONDO:0007424, OMIM 124900.

Submission:

Labcorp Genetics (formerly Invitae), Labcorp
Classification: Uncertain significance for Progressive microcephaly-seizures-cortical blindness-developmental delay syndrome; Autosomal dominant nonsyndromic hearing loss 1. Last evaluated: 2023-05-19. Review status: criteria provided, single submitter. Criteria: Invitae Variant Classification Sherloc (09022015). Collection method: clinical testing. Allele origin: germline.
Comment: In summary, the available evidence is currently insufficient to determine the role of this variant in disease. Therefore, it has been classified as a Variant of Uncertain Significance. Experimental studies and prediction algorithms are not available or were not evaluated, and the functional significance of this variant is currently unknown. This variant has not been reported in the literature in individuals affected with DIAPH1-related conditions. This variant is not present in population databases (gnomAD no frequency). This sequence change replaces proline, which is neutral and non-polar, with leucine, which is neutral and non-polar, at codon 729 of the DIAPH1 protein (p.Pro729Leu).